The following is an entry in ClinVar:

GRCh38/hg38 16q23.1-24.3(chr16:76873569-90081985)x3

Genes: MAF (MAF bZIP transcription factor; minus strand), MAFTRR (MAF transcriptional regulator RNA; minus strand), MAP1LC3B (microtubule associated protein 1 light chain 3 beta; plus strand), MBTPS1 (membrane bound transcription factor peptidase, site 1; minus strand), MBTPS1-DT (MBTPS1 divergent transcript; plus strand) and 783 more. Cytogenetic location: 16q23.1-24.3.
Variant type: copy number gain.
Change: copy number 3 (three copies instead of two) of chr16:76,873,569-90,081,985 (13.21 Mb, GRCh38 coordinates, 1-based), cytogenetic band 16q23.1-24.3.
Identifiers: ClinVar variation 58647 (VCV000058647.2).

ClinVar aggregate classification (germline): Pathogenic (1 of 4 stars; one submission).

Submission:

ISCA Site 6
Classification: Pathogenic. Last evaluated: 2011-08-12. Review status: criteria provided, single submitter. Criteria: Kaminsky et al. (Genet Med. 2011). Collection method: clinical testing. Allele origin: unknown. Affected: yes. Observed: 1 variant allele.
Comment: Copy number variation identified through the course of routine clinical cytogenomic testing in postnatal populations. Clinical assertions have been curated as described in Kaminsky et al. 2011.